The following is an entry in ClinVar:

NM_001374828.1(ARID1B):c.4383-3C>T

Gene: ARID1B (AT-rich interaction domain 1B; plus strand). Cytogenetic location: 6q25.3.
Variant type: single nucleotide variant.
Coding change: c.4383-3C>T on transcript NM_001374828.1 (MANE Select); 3 bases into the intron before coding-DNA position 4383, C replaced by T.
Molecular consequence: intron variant.
Genome position (GRCh38, 1-based): chr6:157,198,808, C>T. VCF-style: chr6-157198808-C-T. GRCh37 (hg19) VCF-style: chr6-157519942-C-T.
Other names: c.4263-3C>T (NM_001371656.1, NM_001374820.1); c.4224-3C>T (NM_017519.3); c.1884-3C>T (NM_001363725.2).
Identifiers: ClinVar variation 2089108 (VCV002089108.4), dbSNP rs1583496343, ClinGen allele CA1675542210.

ClinVar aggregate classification (germline): Uncertain significance (1 of 4 stars; one submission).

Allele frequency attached by ClinVar (database versions not stated): gnomAD exomes below 0.00001; TOPMed below 0.00001.
gnomAD v4.1: 2 of 1,607,354 alleles (0.00012%); highest among the groups gnomAD compares: Non-Finnish European, 0.00017%; no homozygotes.

Submission:

Labcorp Genetics (formerly Invitae), Labcorp
Classification: Uncertain significance. Last evaluated: 2022-03-26. Review status: criteria provided, single submitter. Criteria: Invitae Variant Classification Sherloc (09022015). Collection method: clinical testing. Allele origin: germline.
Comment: In summary, the available evidence is currently insufficient to determine the role of this variant in disease. Therefore, it has been classified as a Variant of Uncertain Significance. Variants that disrupt the consensus splice site are a relatively common cause of aberrant splicing (PMID: 17576681, 9536098). Algorithms developed to predict the effect of sequence changes on RNA splicing suggest that this variant is not likely to affect RNA splicing. This variant has not been reported in the literature in individuals affected with ARID1B-related conditions. This variant is not present in population databases (gnomAD no frequency). This sequence change falls in intron 16 of the ARID1B gene. It does not directly change the encoded amino acid sequence of the ARID1B protein. It affects a nucleotide within the consensus splice site.

Literature cited by the submitters: PubMed 17576681; PubMed 9536098.